The following is an entry in ClinVar:

ClinVar aggregate classification (germline): Pathogenic (1 of 4 stars; one submission).

Conditions:
Developmental and epileptic encephalopathy, 9 (DEE9). Also called: EPILEPSY, FEMALE-RESTRICTED, WITH MENTAL RETARDATION; JUBERG-HELLMAN SYNDROME; Early infantile epileptic encephalopathy 9; PCDH19-Related X-Linked Female-Limited Epilepsy with Mental Retardation. Identifiers: Orphanet 101039, Orphanet 2076, MedGen C1848137, MONDO:0010246, OMIM 300088. Disease mechanism: loss of function.

Submission:

Labcorp Genetics (formerly Invitae), Labcorp
Classification: Pathogenic for Developmental and epileptic encephalopathy, 9. Last evaluated: 2021-07-21. Review status: criteria provided, single submitter. Criteria: Invitae Variant Classification Sherloc (09022015). Collection method: clinical testing. Allele origin: germline.
Comment: This variant is not present in population databases (ExAC no frequency). This variant has been observed in individual(s) with clinical features of PCDH19-related conditions (PMID: 27527380, Invitae). In at least one individual the variant was observed to be de novo. ClinVar contains an entry for this variant (Variation ID: 1045922). Advanced modeling of protein sequence and biophysical properties (such as structural, functional, and spatial information, amino acid conservation, physicochemical variation, residue mobility, and thermodynamic stability) performed at Invitae indicates that this missense variant is expected to disrupt PCDH19 protein function. This variant disrupts the p.Glu414 amino acid residue in PCDH19. Other variant(s) that disrupt this residue have been observed in individuals with PCDH19-related conditions (PMID: 20713952), which suggests that this may be a clinically significant amino acid residue. For these reasons, this variant has been classified as Pathogenic. This sequence change replaces glutamic acid with lysine at codon 414 of the PCDH19 protein (p.Glu414Lys). The glutamic acid residue is highly conserved and there is a small physicochemical difference between glutamic acid and lysine.

Literature cited by the submitters: PubMed 27527380; PubMed 20713952.

NM_001184880.2(PCDH19):c.1240G>A (p.Glu414Lys)

Gene: PCDH19 (protocadherin 19; minus strand). Cytogenetic location: Xq22.1.
Variant type: single nucleotide variant.
Coding change: c.1240G>A on transcript NM_001184880.2 (MANE Select); coding-DNA position 1240, G replaced by A.
Protein change: p.Glu414Lys; replaces glutamic acid 414 with lysine.
Molecular consequence: missense variant.
Genome position (GRCh38, 1-based): chrX:100,407,358, C>T on the plus strand (G>A on the coding strand, the complement: PCDH19 is on the minus strand). VCF-style: chrX-100407358-C-T. GRCh37 (hg19) VCF-style: chrX-99662356-C-T.
Other names: c.1240G>A, p.Glu414Lys (NM_001105243.2, NM_020766.3); short protein forms E414K.
Identifiers: ClinVar variation 1045922 (VCV001045922.9), dbSNP rs796052813, ClinGen allele CA414003512.
Genomic context (GRCh38, chrX:100,407,358, plus strand): 5'-GCAGCATGGGCACGCCGCCGTCGCGTGCCTGAATTGTGAGGTTGTATTGGTCGTGCTGCT[C>T]GCGGTCCAGCCGTCCGTCCACCAGAATAGTGGAGAAGCTCTCATATTCCTGCAGTCGAAA-3'
Protein context (NP_001171809.1, residues 404-424): TILVDGRLDR[Glu414Lys]QHDQYNLTIQ